The following is an entry in ClinVar:

NM_004239.4(TRIP11):c.2611C>T (p.Arg871Ter)

Gene: TRIP11 (thyroid hormone receptor interactor 11; minus strand). Cytogenetic location: 14q32.12.
Variant type: single nucleotide variant.
Coding change: c.2611C>T on transcript NM_004239.4 (MANE Select); coding-DNA position 2611, C replaced by T.
Protein change: p.Arg871Ter; replaces arginine 871 with a stop codon.
Molecular consequence: nonsense.
Genome position (GRCh38, 1-based): chr14:92,005,365, G>A on the plus strand (C>T on the coding strand, the complement: TRIP11 is on the minus strand). VCF-style: chr14-92005365-G-A. GRCh37 (hg19) VCF-style: chr14-92471709-G-A.
Other names: c.2608C>T, p.Arg870Ter (NM_001321851.1); short protein forms R870*, R871*.
Identifiers: ClinVar variation 1028711 (VCV001028711.3), dbSNP rs999557873, ClinGen allele CA265611436.

ClinVar aggregate classification (germline): Pathogenic. Review status: criteria provided, multiple submitters, no conflicts (2 of 4 stars). 2 submissions from 2 submitters: Pathogenic (2). Last evaluated 2021-05-14.

Conditions:
Achondrogenesis, type IA (ACG1A). Identifiers: Orphanet 932, Orphanet 93299, MedGen C0265273, MONDO:0008701, OMIM 200600.

Allele frequency attached by ClinVar (database versions not stated): gnomAD 0.00001; gnomAD exomes 0.00001; TOPMed 0.00002.
gnomAD v4.1: 12 of 1,614,010 alleles (0.00074%); highest among the groups gnomAD compares: East Asian, 0.0045%; no homozygotes.

Submissions (2):

Labcorp Genetics (formerly Invitae), Labcorp
Classification: Pathogenic for Achondrogenesis, type IA. Last evaluated: 2021-05-14. Review status: criteria provided, single submitter. Criteria: Invitae Variant Classification Sherloc (09022015). Collection method: clinical testing. Allele origin: germline.
Comment: This sequence change creates a premature translational stop signal (p.Arg871*) in the TRIP11 gene. It is expected to result in an absent or disrupted protein product. Loss-of-function variants in TRIP11 are known to be pathogenic (PMID: 20089971, 23956106). This variant is not present in population databases (ExAC no frequency). This variant has not been reported in the literature in individuals with TRIP11-related conditions. ClinVar contains an entry for this variant (Variation ID: 1028711). For these reasons, this variant has been classified as Pathogenic.

Baylor Genetics
Classification: Pathogenic for Achondrogenesis, type IA. Last evaluated: 2020-01-16. Review status: criteria provided, single submitter. Criteria: ACMG Guidelines, 2015. Collection method: clinical testing. Allele origin: unknown. Affected: yes.
Comment: This variant was determined to be pathogenic according to ACMG Guidelines, 2015 [PMID:25741868].

Literature cited by the submitters: PubMed 20089971 (cited by Labcorp Genetics (formerly Invitae), Labcorp); PubMed 23956106 (cited by Labcorp Genetics (formerly Invitae), Labcorp).